The following is an entry in ClinVar:

ClinVar aggregate classification (germline): Uncertain significance (1 of 4 stars; one submission).

Submission:

GeneDx
Classification: Uncertain significance. Last evaluated: 2024-11-21. Review status: criteria provided, single submitter. Criteria: GeneDx Variant Classification Process June 2021. Collection method: clinical testing. Allele origin: germline. Affected: yes.
Comment: Not observed at significant frequency in large population cohorts (gnomAD); In silico analysis supports that this missense variant has a deleterious effect on protein structure/function; Has not been previously published as pathogenic or benign to our knowledge

NM_017635.5(KMT5B):c.956G>A (p.Cys319Tyr)

Gene: KMT5B (lysine methyltransferase 5B; minus strand). Cytogenetic location: 11q13.2.
Variant type: single nucleotide variant.
Coding change: c.956G>A on transcript NM_017635.5 (MANE Select); coding-DNA position 956, G replaced by A.
Protein change: p.Cys319Tyr; replaces cysteine 319 with tyrosine.
Molecular consequence: missense variant. On other transcripts: non-coding transcript variant (3).
Genome position (GRCh38, 1-based): chr11:68,171,036, C>T on the plus strand (G>A on the coding strand, the complement: KMT5B is on the minus strand). VCF-style: chr11-68171036-C-T. GRCh37 (hg19) VCF-style: chr11-67938503-C-T.
Other names: c.440G>A, p.Cys147Tyr (NM_001300907.1, NM_001369424.1, NM_001369428.1 and 5 more transcripts); c.236G>A, p.Cys79Tyr (NM_001300908.2); c.887G>A, p.Cys296Tyr (NM_001300909.2); c.956G>A, p.Cys319Tyr (NM_001363566.2, NM_001369426.1, NM_001369427.1 and 1 more transcripts); c.743G>A, p.Cys248Tyr (NM_001369425.1); short protein forms C147Y, C248Y, C296Y, C319Y, C79Y.
Identifiers: ClinVar variation 1806799 (VCV001806799.2), dbSNP rs2496380070, ClinGen allele CA381604756.